The following is an entry in ClinVar:

NM_023110.3(FGFR1):c.179A>T (p.Asp60Val)

Gene: FGFR1 (fibroblast growth factor receptor 1; minus strand). Cytogenetic location: 8p11.23.
Variant type: single nucleotide variant.
Coding change: c.179A>T on transcript NM_023110.3 (MANE Select); coding-DNA position 179, A replaced by T.
Protein change: p.Asp60Val; replaces aspartic acid 60 with valine.
Molecular consequence: missense variant. On other transcripts: intron variant (5).
Genome position (GRCh38, 1-based): chr8:38,429,861, T>A on the plus strand (A>T on the coding strand, the complement: FGFR1 is on the minus strand). VCF-style: chr8-38429861-T-A. GRCh37 (hg19) VCF-style: chr8-38287379-T-A.
Other names: c.179A>T, p.Asp60Val (NM_000604.2, NM_001174063.2, NM_001174065.2 and 4 more transcripts); c.155A>T, p.Asp52Val (NM_001174064.2); c.278A>T, p.Asp93Val (NM_001174067.2); c.92-1426A>T (NM_001354368.2, NM_001354370.2, NM_023106.3 and 2 more transcripts); short protein forms D52V, D60V, D93V.
Identifiers: ClinVar variation 1721556 (VCV001721556.5), dbSNP rs2150963361, ClinGen allele CA370736491.
Genomic context (GRCh38, chr8:38,429,861, plus strand): 5'-CGGGTGCGGTTGCTTTCCGCCAGCTGCACCCCGTCCCGCAGCCAGTTGATGCTCTGCACA[T>A]CGTCCCGCAGCCGACAGCGAAGCTGCAGCAGGTCACCGGGGTGGACCAGGAAGGACTCCA-3'
Protein context (NP_075598.2, residues 50-70): LLQLRCRLRD[Asp60Val]VQSINWLRDG

ClinVar aggregate classification (germline): Uncertain significance (1 of 4 stars; one submission).

Conditions:
Hypogonadotropic hypogonadism 2 with or without anosmia (HH2). Also called: FGFR1-Related GnRH Deficiency (Kallmann Syndrome 2); HYPOGONADOTROPIC HYPOGONADISM 2 WITH OR WITHOUT ANOSMIA, SUSCEPTIBILITY TO; HYPOGONADOTROPIC HYPOGONADISM 2 WITHOUT ANOSMIA, SUSCEPTIBILITY TO; HYPOGONADOTROPIC HYPOGONADISM 2 WITHOUT ANOSMIA. Identifiers: Orphanet 478, MedGen C1563720, MONDO:0007844, OMIM 147950. Disease mechanism: loss of function.
Pfeiffer syndrome (ACS5). Also called: ACS V. Identifiers: Orphanet 710, MedGen C0220658, MONDO:0007043, OMIM 101600.

Submission:

Labcorp Genetics (formerly Invitae), Labcorp
Classification: Uncertain significance for Pfeiffer syndrome; Hypogonadotropic hypogonadism 2 with or without anosmia. Last evaluated: 2023-02-16. Review status: criteria provided, single submitter. Criteria: Invitae Variant Classification Sherloc (09022015). Collection method: clinical testing. Allele origin: germline.
Comment: This sequence change replaces aspartic acid, which is acidic and polar, with valine, which is neutral and non-polar, at codon 60 of the FGFR1 protein (p.Asp60Val). This variant is not present in population databases (gnomAD no frequency). This variant has not been reported in the literature in individuals affected with FGFR1-related conditions. ClinVar contains an entry for this variant (Variation ID: 1721556). Advanced modeling of protein sequence and biophysical properties (such as structural, functional, and spatial information, amino acid conservation, physicochemical variation, residue mobility, and thermodynamic stability) has been performed at Invitae for this missense variant, however the output from this modeling did not meet the statistical confidence thresholds required to predict the impact of this variant on FGFR1 protein function. In summary, the available evidence is currently insufficient to determine the role of this variant in disease. Therefore, it has been classified as a Variant of Uncertain Significance.